The following is an entry in ClinVar:

ClinVar aggregate classification (germline): Likely benign. Review status: reviewed by expert panel (3 of 4 stars). 2 submissions from 2 submitters: Likely benign (1). 1 of the submissions does not count toward it. Last evaluated 2024-09-18.

Conditions:
Hereditary thrombocytopenia and hematological cancer predisposition syndrome associated with RUNX1. Also called: Familial Platelet Disorder with Propensity to Acute Myelogenous Leukemia; Familial thrombocytopenia with propensity to acute myelogenous leukemia; PLATELET DISORDER, ASPIRIN-LIKE; RUNX1 Familial Platelet Disorder with Associated Myeloid Malignancies. Identifiers: Orphanet 71290, MedGen C1832388, MeSH C563324, MONDO:0100083, OMIM 601399.
Hereditary thrombocytopenia and hematologic cancer predisposition syndrome. Identifiers: Orphanet 71290, MedGen CN281654, MONDO:0011071.

Submissions (2):

ClinGen Myeloid Malignancy Variant Curation Expert Panel
Classification: Likely benign for Hereditary thrombocytopenia and hematologic cancer predisposition syndrome. Last evaluated: 2024-09-18. Review status: reviewed by expert panel. Criteria: ClinGen MyeloMalig ACMG Specifications v2. Collection method: curation. Allele origin: germline. Inheritance: Autosomal dominant inheritance.
Comment: NM_001754.5(RUNX1):c.975C>T (p.Pro325=) is a synonymous variant which has a SpliceAI score ≤ 0.20 (0.0) (BP4). This variant has a SpliceAI score ≤ 0.20 (0.0) and evolutionary conservation algorithms predict the site as not being conserved (PhyloP score ≤ 2.0 (-3.37)) (BP7). This variant is completely absent from all population databases with at least 20x coverage for RUNX1 (PM2_supporting). In summary, this variant meets criteria to be classified as likely benign. ACMG/AMP criteria applied, as specified by the Myeloid Malignancy Variant Curation Expert Panel for RUNX1: BP4, BP7, PM2_supporting.

Labcorp Genetics (formerly Invitae), Labcorp
Classification: Likely benign for Hereditary thrombocytopenia and hematological cancer predisposition syndrome associated with RUNX1. Last evaluated: 2023-10-17. Review status: criteria provided, single submitter. Criteria: Invitae Variant Classification Sherloc (09022015). Collection method: clinical testing. Allele origin: germline. Not counted in ClinVar's aggregate classification.

NM_001754.5(RUNX1):c.975C>T (p.Pro325=)

Gene: RUNX1 (RUNX family transcription factor 1; minus strand). Cytogenetic location: 21q22.12.
Variant type: single nucleotide variant.
Coding change: c.975C>T on transcript NM_001754.5 (MANE Select); coding-DNA position 975, C replaced by T.
Protein change: p.Pro325=; no amino-acid change (proline 325 retained).
Molecular consequence: synonymous variant.
Genome position (GRCh38, 1-based): chr21:34,792,603, G>A on the plus strand (C>T on the coding strand, the complement: RUNX1 is on the minus strand). VCF-style: chr21-34792603-G-A. GRCh37 (hg19) VCF-style: chr21-36164900-G-A.
Other names: NM_001754.5(RUNX1):c.975C>T; p.Pro325=; c.894C>T, p.Pro298= (NM_001001890.3).
Identifiers: ClinVar variation 2731638 (VCV002731638.4), dbSNP rs1277214767, ClinGen allele CA512341399.